The following is an entry in ClinVar:

NM_000426.4(LAMA2):c.7091_7092del (p.Val2364fs)

Gene: LAMA2 (laminin subunit alpha 2; plus strand). Cytogenetic location: 6q22.33.
Variant type: Deletion.
Coding change: c.7091_7092del on transcript NM_000426.4 (MANE Select); coding-DNA positions 7091 to 7092, 2 bases deleted (TC; older notation c.7091_7092delTC).
Protein change: p.Val2364fs; shifts the reading frame from valine 2364.
Molecular consequence: frameshift variant.
Genome position (GRCh38, 1-based): chr6:129,464,388-129,464,389, TC deleted. VCF-style (leftmost placement, unchanged base first): chr6-129464387-GTC-G. GRCh37 (hg19) VCF-style: chr6-129785532-GTC-G.
Other names: c.7091_7092del, p.Val2364fs (NM_001079823.2); short protein forms V2364fs.
Identifiers: ClinVar variation 5013933 (VCV005013933.1).

ClinVar aggregate classification (germline): Pathogenic (1 of 4 stars; one submission).

Conditions:
LAMA2-related muscular dystrophy (LAMA2-RD). Also called: Laminin alpha 2-related dystrophy. Identifiers: MedGen C5679788, MONDO:0100228.

Submission:

Myriad Genetics, Inc.
Classification: Pathogenic for LAMA2-related muscular dystrophy. Last evaluated: 2025-01-08. Review status: criteria provided, single submitter. Criteria: Myriad Autosomal Dominant, Autosomal Recessive and X-Linked Classification Criteria (2023). Collection method: clinical testing. Allele origin: unknown.
Comment: NM_000426.3(LAMA2):c.7091_7092delTC(V2364Dfs*31) is expected to be pathogenic in the context of muscular dystrophy, LAMA2-related. This variant is predicted to lead to an abnormal or absent protein product due to the creation of a premature termination codon in LAMA2, a gene where loss-of-function variants are known to be pathogenic. Please note: this variant was assessed in the context of healthy population screening.